The following is an entry in ClinVar:

ClinVar aggregate classification (germline): Uncertain significance. Review status: criteria provided, multiple submitters, no conflicts (2 of 4 stars). 2 submissions from 2 submitters: Uncertain significance (2). Last evaluated 2026-03-26.

Conditions:
Hereditary cancer-predisposing syndrome. Also called: Neoplastic Syndromes, Hereditary; Hereditary neoplastic syndrome; Tumor predisposition; Hereditary Cancer Syndrome. Identifiers: Orphanet 140162, MedGen C0027672, MeSH D009386, MONDO:0015356.
Pheochromocytoma. Also called: MAX-Related Hereditary Paraganglioma-Pheochromocytoma Syndrome. Identifiers: Orphanet 29072, MedGen C0031511, MONDO:0008233, OMIM 171300, HP:0002666.
Gastrointestinal stromal tumor. Also called: Gastrointestinal stromal tumor, somatic; Gastrointestinal stroma tumor. Identifiers: Orphanet 44890, MedGen C0238198, MeSH D046152, MONDO:0011719, OMIM 606764, HP:0100723.
Pheochromocytoma/paraganglioma syndrome 4. Also called: CAROTID BODY TUMORS AND MULTIPLE EXTRAADRENAL PHEOCHROMOCYTOMAS; PARAGANGLIOMA, FAMILIAL MALIGNANT; PARAGANGLIOMAS, HEREDITARY EXTRAADRENAL; PHEOCHROMOCYTOMA, FAMILIAL EXTRAADRENAL; Paragangliomas 4; SDHB-Related Hereditary Paraganglioma-Pheochromocytoma Syndrome (Paragangliomas 4). Identifiers: Orphanet 29072, MedGen C1861848, MONDO:0007273, OMIM 115310.

Allele frequency attached by ClinVar (database versions not stated): TOPMed below 0.00001.

Submissions (2):

Ambry Genetics
Classification: Uncertain significance for Hereditary cancer-predisposing syndrome. Last evaluated: 2026-03-26. Review status: criteria provided, single submitter. Criteria: Ambry Variant Classification Scheme 2023. Collection method: clinical testing. Allele origin: germline.
Comment: The p.G99S variant (also known as c.295G>A), located in coding exon 4 of the SDHB gene, results from a G to A substitution at nucleotide position 295. The glycine at codon 99 is replaced by serine, an amino acid with similar properties. This amino acid position is highly conserved in available vertebrate species. In addition, this alteration is predicted to be deleterious by in silico analysis. Based on the available evidence, the clinical significance of this variant remains unclear.

Labcorp Genetics (formerly Invitae), Labcorp
Classification: Uncertain significance for Gastrointestinal stromal tumor; Pheochromocytoma/paraganglioma syndrome 4; Pheochromocytoma. Last evaluated: 2022-11-07. Review status: criteria provided, single submitter. Criteria: Invitae Variant Classification Sherloc (09022015). Collection method: clinical testing. Allele origin: germline.
Comment: This sequence change replaces glycine, which is neutral and non-polar, with serine, which is neutral and polar, at codon 99 of the SDHB protein (p.Gly99Ser). This variant is not present in population databases (gnomAD no frequency). In summary, the available evidence is currently insufficient to determine the role of this variant in disease. Therefore, it has been classified as a Variant of Uncertain Significance. This variant disrupts the p.Gly99 amino acid residue in SDHB. Other variant(s) that disrupt this residue have been determined to be pathogenic (PMID: 16317055; Invitae). This suggests that this residue is clinically significant, and that variants that disrupt this residue are likely to be disease-causing. Advanced modeling of protein sequence and biophysical properties (such as structural, functional, and spatial information, amino acid conservation, physicochemical variation, residue mobility, and thermodynamic stability) performed at Invitae indicates that this missense variant is expected to disrupt SDHB protein function. This variant has not been reported in the literature in individuals affected with SDHB-related conditions.

Literature cited by the submitters: PubMed 16317055 (cited by Labcorp Genetics (formerly Invitae), Labcorp).

NM_003000.3(SDHB):c.295G>A (p.Gly99Ser)

Gene: SDHB (succinate dehydrogenase complex iron sulfur subunit B; minus strand). Cytogenetic location: 1p36.13.
Variant type: single nucleotide variant.
Coding change: c.295G>A on transcript NM_003000.3 (MANE Select); coding-DNA position 295, G replaced by A.
Protein change: p.Gly99Ser; replaces glycine 99 with serine.
Molecular consequence: missense variant.
Genome position (GRCh38, 1-based): chr1:17,028,728, C>T on the plus strand (G>A on the coding strand, the complement: SDHB is on the minus strand). VCF-style: chr1-17028728-C-T. GRCh37 (hg19) VCF-style: chr1-17355223-C-T.
Other names: c.295G>A, p.Gly99Ser (NM_001407361.1); short protein forms G99S.
Identifiers: ClinVar variation 2619579 (VCV002619579.6), dbSNP rs948603037, ClinGen allele CA18666849.